The following is an entry in ClinVar:

NM_006270.5(RRAS):c.70C>T (p.Pro24Ser)

Gene: RRAS (RAS related; minus strand). Cytogenetic location: 19q13.33.
Variant type: single nucleotide variant.
Coding change: c.70C>T on transcript NM_006270.5 (MANE Select); coding-DNA position 70, C replaced by T.
Protein change: p.Pro24Ser; replaces proline 24 with serine.
Molecular consequence: missense variant.
Genome position (GRCh38, 1-based): chr19:49,640,029, G>A on the plus strand (C>T on the coding strand, the complement: RRAS is on the minus strand). VCF-style: chr19-49640029-G-A. GRCh37 (hg19) VCF-style: chr19-50143286-G-A.
Other names: short protein forms P24S.
Identifiers: ClinVar variation 1492900 (VCV001492900.8), dbSNP rs2122429906, ClinGen allele CA406849851.

ClinVar aggregate classification (germline): Uncertain significance (1 of 4 stars; one submission).

Conditions:
Noonan syndrome (NS). Also called: Noonan's syndrome. Identifiers: Orphanet 648, MedGen C0028326, MeSH D009634, MONDO:0018997. Disease mechanism: gain of function.

Submission:

Labcorp Genetics (formerly Invitae), Labcorp
Classification: Uncertain significance for Noonan syndrome. Last evaluated: 2024-10-22. Review status: criteria provided, single submitter. Criteria: Invitae Variant Classification Sherloc (09022015). Collection method: clinical testing. Allele origin: germline.
Comment: This sequence change replaces proline, which is neutral and non-polar, with serine, which is neutral and polar, at codon 24 of the RRAS protein (p.Pro24Ser). This variant is not present in population databases (gnomAD no frequency). This variant has not been reported in the literature in individuals affected with RRAS-related conditions. ClinVar contains an entry for this variant (Variation ID: 1492900). An algorithm developed to predict the effect of missense changes on protein structure and function (PolyPhen-2) suggests that this variant is likely to be disruptive. In summary, the available evidence is currently insufficient to determine the role of this variant in disease. Therefore, it has been classified as a Variant of Uncertain Significance.